The following is an entry in ClinVar:

NM_004380.3(CREBBP):c.6449C>A (p.Pro2150Gln)

Gene: CREBBP (CREB binding lysine acetyltransferase; minus strand). Cytogenetic location: 16p13.3.
Variant type: single nucleotide variant.
Coding change: c.6449C>A on transcript NM_004380.3 (MANE Select); coding-DNA position 6449, C replaced by A.
Protein change: p.Pro2150Gln; replaces proline 2150 with glutamine.
Molecular consequence: missense variant.
Genome position (GRCh38, 1-based): chr16:3,728,598, G>T on the plus strand (C>A on the coding strand, the complement: CREBBP is on the minus strand). VCF-style: chr16-3728598-G-T. GRCh37 (hg19) VCF-style: chr16-3778599-G-T.
Other names: c.6335C>A, p.Pro2112Gln (NM_001079846.1); short protein forms P2112Q, P2150Q.
Identifiers: ClinVar variation 1721806 (VCV001721806.5), dbSNP rs587783512, ClinGen allele CA394552682.

ClinVar aggregate classification (germline): Uncertain significance (1 of 4 stars; one submission).

Conditions:
Rubinstein-Taybi syndrome (RSTS). Identifiers: Orphanet 783, MedGen C0035934, MONDO:0019188.

Submission:

Labcorp Genetics (formerly Invitae), Labcorp
Classification: Uncertain significance for Rubinstein-Taybi syndrome. Last evaluated: 2022-10-18. Review status: criteria provided, single submitter. Criteria: Invitae Variant Classification Sherloc (09022015). Collection method: clinical testing. Allele origin: germline.
Comment: In summary, the available evidence is currently insufficient to determine the role of this variant in disease. Therefore, it has been classified as a Variant of Uncertain Significance. Algorithms developed to predict the effect of missense changes on protein structure and function output the following: SIFT: "Tolerated"; PolyPhen-2: "Not Available"; Align-GVGD: "Class C0". The glutamine amino acid residue is found in multiple mammalian species, which suggests that this missense change does not adversely affect protein function. This variant has not been reported in the literature in individuals affected with CREBBP-related conditions. This variant is not present in population databases (gnomAD no frequency). This sequence change replaces proline, which is neutral and non-polar, with glutamine, which is neutral and polar, at codon 2150 of the CREBBP protein (p.Pro2150Gln).